The following is an entry in ClinVar:

NM_001063.4(TF):c.1572G>C (p.Leu524=)

Gene: TF (transferrin; plus strand). Cytogenetic location: 3q22.1.
Variant type: single nucleotide variant.
Coding change: c.1572G>C on transcript NM_001063.4 (MANE Select); coding-DNA position 1572, G replaced by C.
Protein change: p.Leu524=; no amino-acid change (leucine 524 retained).
Molecular consequence: synonymous variant.
Genome position (GRCh38, 1-based): chr3:133,768,114, G>C. VCF-style: chr3-133768114-G-C. GRCh37 (hg19) VCF-style: chr3-133486958-G-C.
Other names: p.Leu524=; c.1440G>C, p.Leu480= (NM_001354703.2); c.1191G>C, p.Leu397= (NM_001354704.2).
Identifiers: ClinVar variation 343444 (VCV000343444.14), dbSNP rs8649, ClinGen allele CA2625333.

ClinVar aggregate classification (germline): Benign. Review status: criteria provided, multiple submitters, no conflicts (2 of 4 stars). 4 submissions from 4 submitters: Benign (4). Last evaluated 2026-02-04.

Conditions:
Atransferrinemia. Also called: Familial hypotransferrinemia. Identifiers: Orphanet 1195, MedGen C0521802, MONDO:0008846, OMIM 209300, HP:0012239.

Allele frequency attached by ClinVar (database versions not stated): 1000 Genomes Project 0.21246; 1000 Genomes Project 30x 0.21424; gnomAD exomes 0.21837 and 0.24350; ExAC 0.22191; TOPMed 0.25252; gnomAD 0.25763 and 0.26591; ESP Exome Variant Server 0.27557.
gnomAD v4.1: 395,066 of 1,613,778 alleles (24%); highest among the groups gnomAD compares: African/African-American, 31%; 50,611 homozygotes.

Submissions (4):

Labcorp Genetics (formerly Invitae), Labcorp
Classification: Benign. Last evaluated: 2026-02-04. Review status: criteria provided, single submitter. Criteria: Invitae Variant Classification Sherloc (09022015). Collection method: clinical testing. Allele origin: germline.

Mayo Clinic Laboratories, Mayo Clinic
Classification: Benign. Last evaluated: 2018-10-02. Review status: criteria provided, single submitter. Criteria: ACMG Guidelines, 2015. Collection method: clinical testing. Allele origin: germline. Observed: 16 variant alleles.

Illumina Laboratory Services, Illumina
Classification: Benign for Atransferrinemia. Last evaluated: 2018-01-12. Review status: criteria provided, single submitter. Criteria: ICSL Variant Classification Criteria 13 December 2019. Collection method: clinical testing. Allele origin: germline.
Comment: This variant was observed in the ICSL laboratory as part of a predisposition screen in an ostensibly healthy population. It had not been previously curated by ICSL or reported in the Human Gene Mutation Database (HGMD: prior to June 1st, 2018), and was therefore a candidate for classification through an automated scoring system. Utilizing variant allele frequency, disease prevalence and penetrance estimates, and inheritance mode, an automated score was calculated to assess if this variant is too frequent to cause the disease. Based on the score and internal cut-off values, a variant classified as benign is not then subjected to further curation. The score for this variant resulted in a classification of benign for this disease.

Breakthrough Genomics
Classification: Benign. Review status: criteria provided, single submitter. Criteria: ACMG Guidelines, 2015. Collection method: not provided. Allele origin: germline. Inheritance: Autosomal recessive inheritance. Affected: yes.